The following is an entry in ClinVar:

NM_001166108.2(PALLD):c.632C>T (p.Pro211Leu)

Gene: PALLD (palladin, cytoskeletal associated protein; plus strand). Cytogenetic location: 4q32.3.
Variant type: single nucleotide variant.
Coding change: c.632C>T on transcript NM_001166108.2 (MANE Select); coding-DNA position 632, C replaced by T.
Protein change: p.Pro211Leu; replaces proline 211 with leucine.
Molecular consequence: missense variant.
Genome position (GRCh38, 1-based): chr4:168,512,136, C>T. VCF-style: chr4-168512136-C-T. GRCh37 (hg19) VCF-style: chr4-169433287-C-T.
Other names: c.632C>T (NM_016081.3); c.632C>T, p.Pro211Leu (NM_016081.4); short protein forms P211L.
Identifiers: ClinVar variation 2543423 (VCV002543423.2), dbSNP rs767187687, ClinGen allele CA3135402.
Genomic context (GRCh38, chr4:168,512,136, plus strand): 5'-GAAGCCCAAATGGGGAGTCCTCGTCACCAGACAGTGGGTACCTGTCTCCTAAAAATCAGC[C>T]GTCAGCCCTGCTGAGTGCCTCAGCCAGCCAGAGCCCTATGGAAGACCAAGGGGAGATGGA-3'
Protein context (NP_001159580.1, residues 201-221): DSGYLSPKNQ[Pro211Leu]SALLSASASQ

ClinVar aggregate classification (germline): Uncertain significance. Review status: criteria provided, single submitter (1 of 4 stars). 2 submissions from 1 submitter: Uncertain significance (2). Last evaluated 2023-08-07.

Conditions:
Inborn genetic diseases. Identifiers: MedGen C0950123, MeSH D030342.
Hereditary cancer-predisposing syndrome. Also called: Hereditary Cancer Syndrome; Hereditary neoplastic syndrome; Neoplastic Syndromes, Hereditary; Tumor predisposition. Identifiers: Orphanet 140162, MedGen C0027672, MeSH D009386, MONDO:0015356.

Allele frequency attached by ClinVar (database versions not stated): gnomAD exomes below 0.00001; gnomAD 0.00001; ExAC 0.00002; 1000 Genomes Project 30x 0.00016.
gnomAD v4.1: 5 of 1,614,188 alleles (0.00031%); highest among the groups gnomAD compares: South Asian, 0.0022%; no homozygotes.

Submissions (2):

Ambry Genetics
Classification: Uncertain significance for Hereditary cancer-predisposing syndrome. Last evaluated: 2023-08-07. Review status: criteria provided, single submitter. Criteria: Ambry General Variant Classification Scheme_2022. Collection method: clinical testing. Allele origin: germline.
Comment: The p.P211L variant (also known as c.632C>T), located in coding exon 1 of the PALLD gene, results from a C to T substitution at nucleotide position 632. The proline at codon 211 is replaced by leucine, an amino acid with similar properties. This amino acid position is conserved. In addition, this alteration is predicted to be tolerated by in silico analysis. Since supporting evidence is limited at this time, the clinical significance of this alteration remains unclear.

Ambry Genetics
Classification: Uncertain significance for Inborn genetic diseases. Last evaluated: 2023-05-03. Review status: criteria provided, single submitter. Criteria: Ambry General Variant Classification Scheme_2022. Collection method: clinical testing. Allele origin: germline.